The following is an entry in ClinVar:

ClinVar aggregate classification (germline): Uncertain significance (1 of 4 stars; one submission).

Conditions:
Cardiovascular phenotype. Identifiers: MedGen CN230736.

Submission:

Ambry Genetics
Classification: Uncertain significance for Cardiovascular phenotype. Last evaluated: 2022-04-19. Review status: criteria provided, single submitter. Criteria: Ambry Variant Classification Scheme 2023. Collection method: clinical testing. Allele origin: germline.
Comment: The p.I1089T variant (also known as c.3266T>C), located in coding exon 23 of the MYH6 gene, results from a T to C substitution at nucleotide position 3266. The isoleucine at codon 1089 is replaced by threonine, an amino acid with similar properties. This amino acid position is conserved. In addition, the in silico prediction for this alteration is inconclusive. Since supporting evidence is limited at this time, the clinical significance of this alteration remains unclear.

NM_002471.4(MYH6):c.3266T>C (p.Ile1089Thr)

Gene: MYH6 (myosin heavy chain 6; minus strand). Cytogenetic location: 14q11.2.
Variant type: single nucleotide variant.
Coding change: c.3266T>C on transcript NM_002471.4 (MANE Select); coding-DNA position 3266, T replaced by C.
Protein change: p.Ile1089Thr; replaces isoleucine 1089 with threonine.
Molecular consequence: missense variant.
Genome position (GRCh38, 1-based): chr14:23,392,638, A>G on the plus strand (T>C on the coding strand, the complement: MYH6 is on the minus strand). VCF-style: chr14-23392638-A-G. GRCh37 (hg19) VCF-style: chr14-23861847-A-G.
Other names: short protein forms I1089T.
Identifiers: ClinVar variation 1729580 (VCV001729580.3), dbSNP rs2502166138, ClinGen allele CA389007348.